The following is an entry in ClinVar:

NM_001958.5(EEF1A2):c.*244C>T

Gene: EEF1A2 (eukaryotic translation elongation factor 1 alpha 2; minus strand). Cytogenetic location: 20q13.33.
Variant type: single nucleotide variant.
Coding change: c.*244C>T on transcript NM_001958.5 (MANE Select); 244 bases downstream of the stop codon, C replaced by T.
Molecular consequence: 3 prime UTR variant.
Genome position (GRCh38, 1-based): chr20:63,488,054, G>A on the plus strand (C>T on the coding strand, the complement: EEF1A2 is on the minus strand). VCF-style: chr20-63488054-G-A. GRCh37 (hg19) VCF-style: chr20-62119407-G-A.
Identifiers: ClinVar variation 3905569 (VCV003905569.10).

ClinVar aggregate classification (germline): Likely benign (1 of 4 stars; one submission).

Submission:

CeGaT Center for Human Genetics Tuebingen
Classification: Likely benign. Last evaluated: 2025-05-01. Review status: criteria provided, single submitter. Criteria: CeGaT Center For Human Genetics Tuebingen Variant Classification Criteria Version 2. Collection method: clinical testing. Allele origin: germline. Affected: yes. Observed: 1 variant allele.
Comment: EEF1A2: BS2